The following is an entry in ClinVar:

ClinVar aggregate classification (germline): Uncertain significance (1 of 4 stars; one submission).

Allele frequency attached by ClinVar (database versions not stated): TOPMed below 0.00001; gnomAD 0.00001; gnomAD exomes 0.00002; ExAC 0.00005; ESP Exome Variant Server 0.00008.
gnomAD v4.1: 45 of 1,607,664 alleles (0.0028%); highest among the groups gnomAD compares: Non-Finnish European, 0.0038%; no homozygotes.

Submission:

Labcorp Genetics (formerly Invitae), Labcorp
Classification: Uncertain significance. Last evaluated: 2022-10-05. Review status: criteria provided, single submitter. Criteria: Invitae Variant Classification Sherloc (09022015). Collection method: clinical testing. Allele origin: germline.
Comment: In summary, the available evidence is currently insufficient to determine the role of this variant in disease. Therefore, it has been classified as a Variant of Uncertain Significance. Advanced modeling of protein sequence and biophysical properties (such as structural, functional, and spatial information, amino acid conservation, physicochemical variation, residue mobility, and thermodynamic stability) performed at Invitae indicates that this missense variant is not expected to disrupt SERPINH1 protein function. ClinVar contains an entry for this variant (Variation ID: 1369748). This variant has not been reported in the literature in individuals affected with SERPINH1-related conditions. This variant is present in population databases (rs377583721, gnomAD 0.005%). This sequence change replaces leucine, which is neutral and non-polar, with glutamine, which is neutral and polar, at codon 102 of the SERPINH1 protein (p.Leu102Gln).

NM_001235.5(SERPINH1):c.305T>A (p.Leu102Gln)

Gene: SERPINH1 (serpin family H member 1; plus strand). Cytogenetic location: 11q13.5.
Variant type: single nucleotide variant.
Coding change: c.305T>A on transcript NM_001235.5 (MANE Select); coding-DNA position 305, T replaced by A.
Protein change: p.Leu102Gln; replaces leucine 102 with glutamine.
Molecular consequence: missense variant.
Genome position (GRCh38, 1-based): chr11:75,566,654, T>A. VCF-style: chr11-75566654-T-A. GRCh37 (hg19) VCF-style: chr11-75277699-T-A.
Other names: c.305T>A, p.Leu102Gln (NM_001207014.3); short protein forms L102Q.
Identifiers: ClinVar variation 1369748 (VCV001369748.6), dbSNP rs377583721, ClinGen allele CA6190775.